The following is an entry in ClinVar:

ClinVar aggregate classification (germline): Conflicting classifications of pathogenicity. Review status: criteria provided, conflicting classifications (1 of 4 stars). 4 submissions from 4 submitters: Pathogenic (2); Uncertain significance (2). Last evaluated 2025-03-21.

Conditions:
Intellectual developmental disorder with macrocephaly, seizures, and speech delay. Identifiers: MedGen C4748428, MONDO:0032568, OMIM 618158.

Submissions (4):

Laboratorio de Genetica e Diagnostico Molecular, Hospital Israelita Albert Einstein
Classification: Uncertain significance for Intellectual developmental disorder with macrocephaly, seizures, and speech delay. Last evaluated: 2025-03-21. Review status: criteria provided, single submitter. Criteria: ACMG Guidelines, 2015. Collection method: clinical testing. Allele origin: germline. Affected: yes.
Comment: ACMG classification criteria: PM2 supporting, PP2 supporting, PP3 supporting

GeneDx
Classification: Pathogenic. Last evaluated: 2023-04-25. Review status: criteria provided, single submitter. Criteria: GeneDx Variant Classification Process June 2021. Collection method: clinical testing. Allele origin: germline. Affected: yes.
Comment: Not observed at significant frequency in large population cohorts (gnomAD); In silico analysis supports that this missense variant does not alter protein structure/function; Has not been previously published as pathogenic or benign to our knowledge

Labcorp Genetics (formerly Invitae), Labcorp
Classification: Uncertain significance. Last evaluated: 2022-07-28. Review status: criteria provided, single submitter. Criteria: Invitae Variant Classification Sherloc (09022015). Collection method: clinical testing. Allele origin: germline.
Comment: In summary, the available evidence is currently insufficient to determine the role of this variant in disease. Therefore, it has been classified as a Variant of Uncertain Significance. Algorithms developed to predict the effect of missense changes on protein structure and function are either unavailable or do not agree on the potential impact of this missense change (SIFT: "Deleterious"; PolyPhen-2: "Possibly Damaging"; Align-GVGD: "Class C15"). ClinVar contains an entry for this variant (Variation ID: 1200189). This variant has not been reported in the literature in individuals affected with PAK1-related conditions. This variant is not present in population databases (gnomAD no frequency). This sequence change replaces valine, which is neutral and non-polar, with methionine, which is neutral and non-polar, at codon 127 of the PAK1 protein (p.Val127Met).

Solve-RD Consortium
Classification: Pathogenic for Intellectual developmental disorder with macrocephaly, seizures, and speech delay. Review status: criteria provided, single submitter. Criteria: ACMG Guidelines, 2015. Collection method: provider interpretation. Allele origin: germline. Inheritance: Autosomal dominant inheritance. Affected: yes. Study: Solve-RD DIFT-EpiCARE reanalysis.
Comment: PM2, PM1, PP3, PP5

Variant identified during reanalysis of unsolved cases by the Solve-RD project. The Solve-RD project has received funding from the European Union’s Horizon 2020 research and innovation programme under grant agreement No 779257.

NM_002576.5(PAK1):c.379G>A (p.Val127Met)

Gene: PAK1 (p21 (RAC1) activated kinase 1; minus strand). Cytogenetic location: 11q13.5.
Variant type: single nucleotide variant.
Coding change: c.379G>A on transcript NM_002576.5 (MANE Select); coding-DNA position 379, G replaced by A.
Protein change: p.Val127Met; replaces valine 127 with methionine.
Molecular consequence: missense variant. On other transcripts: non-coding transcript variant (2), intron variant (1).
Genome position (GRCh38, 1-based): chr11:77,379,301, C>T on the plus strand (G>A on the coding strand, the complement: PAK1 is on the minus strand). VCF-style: chr11-77379301-C-T. GRCh37 (hg19) VCF-style: chr11-77090346-C-T.
Other names: c.379G>A, p.Val127Met (NM_001128620.2, NM_001376268.1, NM_001376283.1 and 26 more transcripts); c.400G>A, p.Val134Met (NM_001376272.1); c.85G>A, p.Val29Met (NM_001376302.1, NM_001376304.1, NM_001376305.1); c.191-4936G>A (NM_001376301.1); short protein forms V127M, V134M, V29M.
Identifiers: ClinVar variation 1200189 (VCV001200189.13), dbSNP rs2137081902, ClinGen allele CA382169573.